The following is an entry in ClinVar:

NM_000135.4(FANCA):c.1456C>A (p.Pro486Thr)

Gene: FANCA (FA complementation group A; minus strand). Cytogenetic location: 16q24.3.
Variant type: single nucleotide variant.
Coding change: c.1456C>A on transcript NM_000135.4 (MANE Select); coding-DNA position 1456, C replaced by A.
Protein change: p.Pro486Thr; replaces proline 486 with threonine.
Molecular consequence: missense variant.
Genome position (GRCh38, 1-based): chr16:89,784,868, G>T on the plus strand (C>A on the coding strand, the complement: FANCA is on the minus strand). VCF-style: chr16-89784868-G-T. GRCh37 (hg19) VCF-style: chr16-89851276-G-T.
Other names: c.1456C>A, p.Pro486Thr (NM_001286167.3); short protein forms P486T.
Identifiers: ClinVar variation 2741723 (VCV002741723.4), dbSNP rs2544249918, ClinGen allele CA397459663.
Genomic context (GRCh38, chr16:89,784,868, plus strand): 5'-GTGAGCGAAGCACCAGAAATCATGGATGTGGCAGCCAGCTTCTCACCTGCAGGTACCGGG[G>T]AGACTCAAAAGGCACGAGTTCTGACAAGAACGTAAACAGGAAGACCAGGGCCTTCTTGCT-3'
Protein context (NP_000126.2, residues 476-496): FLSELVPFES[Pro486Thr]RYLQVHILHP

ClinVar aggregate classification (germline): Uncertain significance. Review status: criteria provided, multiple submitters, no conflicts (2 of 4 stars). 2 submissions from 2 submitters: Uncertain significance (2). Last evaluated 2025-04-29.

Conditions:
Inborn genetic diseases. Identifiers: MedGen C0950123, MeSH D030342.
Fanconi anemia (FA). Also called: Fanconi's anemia. Identifiers: Orphanet 84, MedGen C0015625, MeSH D005199, MONDO:0019391.

Submissions (2):

Labcorp Genetics (formerly Invitae), Labcorp
Classification: Uncertain significance for Fanconi anemia. Last evaluated: 2025-04-29. Review status: criteria provided, single submitter. Criteria: Invitae Variant Classification Sherloc (09022015). Collection method: clinical testing. Allele origin: germline.
Comment: This sequence change replaces proline, which is neutral and non-polar, with threonine, which is neutral and polar, at codon 486 of the FANCA protein (p.Pro486Thr). This variant is not present in population databases (gnomAD no frequency). This variant has not been reported in the literature in individuals affected with FANCA-related conditions. ClinVar contains an entry for this variant (Variation ID: 2741723). Invitae Evidence Modeling of protein sequence and biophysical properties (such as structural, functional, and spatial information, amino acid conservation, physicochemical variation, residue mobility, and thermodynamic stability) indicates that this missense variant is expected to disrupt FANCA protein function with a positive predictive value of 95%. In summary, the available evidence is currently insufficient to determine the role of this variant in disease. Therefore, it has been classified as a Variant of Uncertain Significance.

Ambry Genetics
Classification: Uncertain significance for Inborn genetic diseases. Last evaluated: 2025-03-27. Review status: criteria provided, single submitter. Criteria: Ambry Variant Classification Scheme 2023. Collection method: clinical testing. Allele origin: germline.
Comment: The p.P486T variant (also known as c.1456C>A), located in coding exon 15 of the FANCA gene, results from a C to A substitution at nucleotide position 1456. The proline at codon 486 is replaced by threonine, an amino acid with highly similar properties. This amino acid position is conserved. In addition, the in silico prediction for this alteration is inconclusive. Based on the available evidence, the clinical significance of this variant remains unclear.